The following is an entry in ClinVar:

NM_001130009.3(GEN1):c.494C>T (p.Thr165Ile)

Gene: GEN1 (GEN1 structure-specific endonuclease; plus strand). Cytogenetic location: 2p24.2.
Variant type: single nucleotide variant.
Coding change: c.494C>T on transcript NM_001130009.3 (MANE Select); coding-DNA position 494, C replaced by T.
Protein change: p.Thr165Ile; replaces threonine 165 with isoleucine.
Molecular consequence: missense variant.
Genome position (GRCh38, 1-based): chr2:17,765,042, C>T. VCF-style: chr2-17765042-C-T. GRCh37 (hg19) VCF-style: chr2-17946309-C-T.
Other names: c.494C>T, p.Thr165Ile (NM_182625.5); short protein forms T165I.
Identifiers: ClinVar variation 2754587 (VCV002754587.3), dbSNP rs150961964, ClinGen allele CA345909794.

ClinVar aggregate classification (germline): Uncertain significance (1 of 4 stars; one submission).

Submission:

Labcorp Genetics (formerly Invitae), Labcorp
Classification: Uncertain significance. Last evaluated: 2023-10-13. Review status: criteria provided, single submitter. Criteria: Invitae Variant Classification Sherloc (09022015). Collection method: clinical testing. Allele origin: germline.
Comment: This sequence change replaces threonine, which is neutral and polar, with isoleucine, which is neutral and non-polar, at codon 165 of the GEN1 protein (p.Thr165Ile). This variant is not present in population databases (gnomAD no frequency). This variant has not been reported in the literature in individuals affected with GEN1-related conditions. An algorithm developed to predict the effect of missense changes on protein structure and function (PolyPhen-2) suggests that this variant is likely to be disruptive. In summary, the available evidence is currently insufficient to determine the role of this variant in disease. Therefore, it has been classified as a Variant of Uncertain Significance.